The following is an entry in ClinVar:

NM_001044.5(SLC6A3):c.1479C>T (p.Ile493=)

Gene: SLC6A3 (solute carrier family 6 member 3). Cytogenetic location: 5p15.33.
Variant type: single nucleotide variant.
Coding change: c.1479C>T on transcript NM_001044.5 (MANE Select); coding-DNA position 1479, C replaced by T.
Protein change: p.Ile493=; no amino-acid change (isoleucine 493 retained).
Molecular consequence: synonymous variant.
Genome position (GRCh38, 1-based): chr5:1,409,045, G>A on the plus strand (C>T on the coding strand, the complement: SLC6A3 is on the minus strand). VCF-style: chr5-1409045-G-A. GRCh37 (hg19) VCF-style: chr5-1409160-G-A.
Identifiers: ClinVar variation 1110808 (VCV001110808.33), dbSNP rs764518683, ClinGen allele CA3186029.

ClinVar aggregate classification (germline): Likely benign. Review status: criteria provided, multiple submitters, no conflicts (2 of 4 stars). 2 submissions from 2 submitters: Likely benign (2). Last evaluated 2025-07-15.

Conditions:
Parkinsonism-dystonia, infantile. Identifiers: Orphanet 238455, MedGen C2751067, MONDO:0013150.

Allele frequency attached by ClinVar (database versions not stated): gnomAD 0.00001; ExAC 0.00002; gnomAD exomes 0.00002; TOPMed 0.00002.
gnomAD v4.1: 33 of 1,612,424 alleles (0.002%); highest among the groups gnomAD compares: African/African-American, 0.0053%; no homozygotes.

Submissions (2):

Labcorp Genetics (formerly Invitae), Labcorp
Classification: Likely benign for Parkinsonism-dystonia, infantile. Last evaluated: 2025-07-15. Review status: criteria provided, single submitter. Criteria: Invitae Variant Classification Sherloc (09022015). Collection method: clinical testing. Allele origin: germline.

CeGaT Center for Human Genetics Tuebingen
Classification: Likely benign. Last evaluated: 2023-02-01. Review status: criteria provided, single submitter. Criteria: CeGaT Center For Human Genetics Tuebingen Variant Classification Criteria Version 2. Collection method: clinical testing. Allele origin: germline. Affected: yes. Observed: 1 variant allele.
Comment: SLC6A3: BP4, BP7